The following is an entry in ClinVar:

ClinVar aggregate classification (germline): Uncertain significance (1 of 4 stars; one submission).

Conditions:
Duchenne muscular dystrophy (DMD). Also called: MUSCULAR DYSTROPHY, PSEUDOHYPERTROPHIC PROGRESSIVE, DUCHENNE TYPE; Duchenne Muscular Dystrophy (DMD). Identifiers: Orphanet 98896, MedGen C0013264, MONDO:0010679, OMIM 310200.

Allele frequency attached by ClinVar (database versions not stated): TOPMed below 0.00001; gnomAD 0.00001.
gnomAD v4.1: 1 of 1,209,585 alleles (0.000083%); highest among the groups gnomAD compares: African/African-American, 0.0017%; no homozygotes.

Submission:

Labcorp Genetics (formerly Invitae), Labcorp
Classification: Uncertain significance for Duchenne muscular dystrophy. Last evaluated: 2024-05-20. Review status: criteria provided, single submitter. Criteria: Invitae Variant Classification Sherloc (09022015). Collection method: clinical testing. Allele origin: germline.
Comment: This sequence change replaces leucine, which is neutral and non-polar, with valine, which is neutral and non-polar, at codon 3234 of the DMD protein (p.Leu3234Val). This variant is not present in population databases (gnomAD no frequency). This variant has not been reported in the literature in individuals affected with DMD-related conditions. Advanced modeling of protein sequence and biophysical properties (such as structural, functional, and spatial information, amino acid conservation, physicochemical variation, residue mobility, and thermodynamic stability) performed at Invitae indicates that this missense variant is not expected to disrupt DMD protein function with a negative predictive value of 95%. In summary, the available evidence is currently insufficient to determine the role of this variant in disease. Therefore, it has been classified as a Variant of Uncertain Significance.

NM_004006.3(DMD):c.9700C>G (p.Leu3234Val)

Gene: DMD (dystrophin; minus strand). Cytogenetic location: Xp21.2.
Variant type: single nucleotide variant.
Coding change: c.9700C>G on transcript NM_004006.3 (MANE Select); coding-DNA position 9700, C replaced by G.
Protein change: p.Leu3234Val; replaces leucine 3234 with valine.
Molecular consequence: missense variant.
Genome position (GRCh38, 1-based): chrX:31,204,068, G>C on the plus strand (C>G on the coding strand, the complement: DMD is on the minus strand). VCF-style: chrX-31204068-G-C. GRCh37 (hg19) VCF-style: chrX-31222185-G-C.
Other names: c.9676C>G, p.Leu3226Val (NM_000109.4); c.9688C>G, p.Leu3230Val (NM_004009.3); c.9331C>G, p.Leu3111Val (NM_004010.3); c.5677C>G, p.Leu1893Val (NM_004011.4); c.5668C>G, p.Leu1890Val (NM_004012.4); c.2320C>G, p.Leu774Val (NM_004013.3, NM_004020.4, NM_004021.3 and 2 more transcripts); c.1513C>G, p.Leu505Val (NM_004014.3); c.496C>G, p.Leu166Val (NM_004015.3, NM_004016.3, NM_004017.3 and 2 more transcripts); short protein forms L1893V, L3234V, L774V, L166V, L1890V, L3226V, L505V, L3111V.
Identifiers: ClinVar variation 2772440 (VCV002772440.3), dbSNP rs912991287, ClinGen allele CA328407670.
Genomic context (GRCh38, chrX:31,204,068, plus strand): 5'-AGGATGCAACTTCACCCAACTGTCTTGGAATTTGGATAGAATCATGCAGAAGGAGGCCCA[G>C]CCTGCGCTGGTCACAAAATCCTGTTGAACTTGCCACTTGCTTGAAAAGGTCTACAAAGGA-3'
Protein context (NP_003997.2, residues 3224-3244): SSTGFCDQRR[Leu3234Val]GLLLHDSIQI